The following is an entry in ClinVar:

NM_181523.3(PIK3R1):c.251C>G (p.Pro84Arg)

Gene: PIK3R1 (phosphoinositide-3-kinase regulatory subunit 1; plus strand). Cytogenetic location: 5q13.1.
Variant type: single nucleotide variant.
Coding change: c.251C>G on transcript NM_181523.3 (MANE Select); coding-DNA position 251, C replaced by G.
Protein change: p.Pro84Arg; replaces proline 84 with arginine.
Molecular consequence: missense variant.
Genome position (GRCh38, 1-based): chr5:68,226,926, C>G. VCF-style: chr5-68226926-C-G. GRCh37 (hg19) VCF-style: chr5-67522754-C-G.
Other names: short protein forms P84R.
Identifiers: ClinVar variation 846266 (VCV000846266.2), dbSNP rs772928652, ClinGen allele CA3289956.

ClinVar aggregate classification (germline): Uncertain significance (1 of 4 stars; one submission).

Conditions:
Agammaglobulinemia 7, autosomal recessive (AGM7). Also called: AGAMMAGLOBULINEMIA, AUTOSOMAL RECESSIVE, DUE TO PIK3R1 DEFECT. Identifiers: MedGen C3554689, MONDO:0014083, OMIM 615214.
SHORT syndrome. Also called: LIPODYSTROPHY, PARTIAL, WITH RIEGER ANOMALY AND SHORT STATURE; SHORT STATURE, HYPEREXTENSIBILITY, HERNIA, OCULAR DEPRESSION, RIEGER ANOMALY, AND TEETHING DELAY; PIK3R1-Related SHORT Syndrome. Identifiers: Orphanet 3163, MedGen C0878684, MONDO:0010026, OMIM 269880.
Immunodeficiency 36 with lymphoproliferation. Also called: Activated PI3K Delta Syndrome Type 2 (APDS2); Immunodeficiency 36; ACTIVATED PI3K-DELTA SYNDROME 2. Identifiers: Orphanet 397596, Orphanet 693681, MedGen C4014934, MONDO:0014453, OMIM 616005.

Allele frequency attached by ClinVar (database versions not stated): gnomAD exomes below 0.00001; ExAC 0.00001.
gnomAD v4.1: 2 of 1,614,144 alleles (0.00012%); highest among the groups gnomAD compares: South Asian, 0.0022%; no homozygotes.

Submission:

Labcorp Genetics (formerly Invitae), Labcorp
Classification: Uncertain significance for SHORT syndrome; Immunodeficiency 36 with lymphoproliferation; Agammaglobulinemia 7, autosomal recessive. Last evaluated: 2025-07-29. Review status: criteria provided, single submitter. Criteria: Invitae Variant Classification Sherloc (09022015). Collection method: clinical testing. Allele origin: germline.
Comment: This sequence change replaces proline, which is neutral and non-polar, with arginine, which is basic and polar, at codon 84 of the PIK3R1 protein (p.Pro84Arg). This variant is present in population databases (rs772928652, gnomAD 0.003%). This variant has not been reported in the literature in individuals affected with PIK3R1-related conditions. ClinVar contains an entry for this variant (Variation ID: 846266). An algorithm developed to predict the effect of missense changes on protein structure and function (PolyPhen-2) suggests that this variant is likely to be disruptive. In summary, the available evidence is currently insufficient to determine the role of this variant in disease. Therefore, it has been classified as a Variant of Uncertain Significance.